The following is an entry in ClinVar:

NM_005359.6(SMAD4):c.900T>G (p.His300Gln)

Gene: SMAD4 (SMAD family member 4; plus strand). Cytogenetic location: 18q21.2.
Variant type: single nucleotide variant.
Coding change: c.900T>G on transcript NM_005359.6 (MANE Select); coding-DNA position 900, T replaced by G.
Protein change: p.His300Gln; replaces histidine 300 with glutamine.
Molecular consequence: missense variant. On other transcripts: non-coding transcript variant (2).
Genome position (GRCh38, 1-based): chr18:51,058,452, T>G. VCF-style: chr18-51058452-T-G. GRCh37 (hg19) VCF-style: chr18-48584822-T-G.
Other names: c.900T>G, p.His300Gln (NM_001407041.1, NM_001407042.1, NM_001407043.1); short protein forms H300Q.
Identifiers: ClinVar variation 4559026 (VCV004559026.1).

ClinVar aggregate classification (germline): Uncertain significance (1 of 4 stars; one submission).

Conditions:
Hereditary cancer-predisposing syndrome. Also called: Tumor predisposition; Hereditary Cancer Syndrome; Hereditary neoplastic syndrome; Neoplastic Syndromes, Hereditary. Identifiers: Orphanet 140162, MedGen C0027672, MeSH D009386, MONDO:0015356.
Familial thoracic aortic aneurysm and aortic dissection (TAAD). Also called: Thoracic aortic aneurysms and dissections. Identifiers: Orphanet 91387, MedGen C4707243, MONDO:0019625.

Submission:

Ambry Genetics
Classification: Uncertain significance for Hereditary cancer-predisposing syndrome; Familial thoracic aortic aneurysm and aortic dissection. Last evaluated: 2025-10-30. Review status: criteria provided, single submitter. Criteria: Ambry Variant Classification Scheme 2023. Collection method: clinical testing. Allele origin: germline.
Comment: The p.H300Q variant (also known as c.900T>G), located in coding exon 6 of the SMAD4 gene, results from a T to G substitution at nucleotide position 900. The histidine at codon 300 is replaced by glutamine, an amino acid with highly similar properties. This amino acid position is conserved. In addition, the in silico prediction for this alteration is inconclusive. Based on the available evidence, the clinical significance of this variant remains unclear.